The following is an entry in ClinVar:

ClinVar aggregate classification (germline): Uncertain significance (1 of 4 stars; one submission).

Submission:

Mayo Clinic Laboratories, Mayo Clinic
Classification: Uncertain significance. Last evaluated: 2025-02-21. Review status: criteria provided, single submitter. Criteria: ACMG Guidelines, 2015. Collection method: clinical testing. Allele origin: germline. Observed: 1 variant allele.
Comment: PM2_supporting

NM_017872.5(THG1L):c.156G>C (p.Trp52Cys)

Genes: THG1L (tRNA-histidine guanylyltransferase 1 like; plus strand), LOC129995144 (ATAC-STARR-seq lymphoblastoid active region 23531; plus strand). Cytogenetic location: 5q33.3.
Variant type: single nucleotide variant.
Coding change: c.156G>C on transcript NM_017872.5 (MANE Select); coding-DNA position 156, G replaced by C.
Protein change: p.Trp52Cys; replaces tryptophan 52 with cysteine.
Molecular consequence: missense variant. On other transcripts: 5 prime UTR variant (2).
Genome position (GRCh38, 1-based): chr5:157,731,596, G>C. VCF-style: chr5-157731596-G-C. GRCh37 (hg19) VCF-style: chr5-157158604-G-C.
Other names: p.Trp52Cys; c.-146G>C (NM_001317824.2); c.-216G>C (NM_001317825.2); short protein forms W52C.
Identifiers: ClinVar variation 4541081 (VCV004541081.1).
Genomic context (GRCh38, chr5:157,731,596, plus strand): 5'-AAGCAAGTTCGAGTACGTGAGGGACTTCGAGGCTGACGACACCTGCCTGGCACACTGCTG[G>C]GTGGTAGTGCGGCTGGACGGCCGGAATTTCCATCGGTGAGCGAGCTCGACTCGGGGCGTC-3'
Protein context (NP_060342.2, residues 42-62): EADDTCLAHC[Trp52Cys]VVVRLDGRNF